The following is an entry in ClinVar:

ClinVar aggregate classification (germline): Likely pathogenic (1 of 4 stars; one submission).

Conditions:
Charcot-Marie-Tooth disease type 4. Also called: Charcot-Marie-Tooth disease, type IV; Charcot-Marie-Tooth, Type 4. Identifiers: Orphanet 64749, MedGen C4082197, MONDO:0018995.

Submission:

Labcorp Genetics (formerly Invitae), Labcorp
Classification: Likely pathogenic for Charcot-Marie-Tooth disease type 4. Last evaluated: 2020-08-30. Review status: criteria provided, single submitter. Criteria: Invitae Variant Classification Sherloc (09022015). Collection method: clinical testing. Allele origin: germline.
Comment: This variant is not present in population databases (ExAC no frequency). In summary, the currently available evidence indicates that the variant is pathogenic, but additional data are needed to prove that conclusively. Therefore, this variant has been classified as Likely Pathogenic. Donor and acceptor splice site variants typically lead to a loss of protein function (PMID: 16199547), and loss-of-function variants in SBF2 are known to be pathogenic (PMID: 12687498, 25873783). Algorithms developed to predict the effect of sequence changes on RNA splicing suggest that this variant may disrupt the consensus splice site, but this prediction has not been confirmed by published transcriptional studies. This variant has not been reported in the literature in individuals with SBF2-related conditions. This sequence change affects a donor splice site in intron 34 of the SBF2 gene. It is expected to disrupt RNA splicing and likely results in an absent or disrupted protein product.

Literature cited by the submitters: PubMed 16199547; PubMed 12687498; PubMed 25873783.

NM_030962.4(SBF2):c.4698+1del

Genes: SBF2 (SET binding factor 2; minus strand), SBF2-AS1 (SBF2 antisense RNA 1; plus strand), LOC105369149 (uncharacterized LOC105369149; plus strand). Cytogenetic location: 11p15.4.
Variant type: Deletion.
Coding change: c.4698+1del on transcript NM_030962.4 (MANE Select); the canonical splice donor site of the intron after coding-DNA position 4698, one base deleted (G; older notation c.4698+1delG).
Molecular consequence: splice donor variant.
Genome position (GRCh38, 1-based): chr11:9,790,555, C deleted on the plus strand (G on the coding strand, the reverse complement: SBF2 is on the minus strand); the first of 2 consecutive C bases (chr11:9,790,555-9,790,556); deleting either gives the same sequence. VCF-style (leftmost placement, unchanged base first): chr11-9790554-AC-A. GRCh37 (hg19) VCF-style: chr11-9812101-AC-A.
Other names: c.4569+1del (NM_001386342.1); c.4794+1del (NM_001386339.1).
Identifiers: ClinVar variation 1067787 (VCV001067787.7), dbSNP rs2133861507, ClinGen allele CA2499221373.